The following is an entry in ClinVar:

NM_212550.5(BLOC1S3):c.178G>A (p.Ala60Thr)

Gene: BLOC1S3 (biogenesis of lysosomal organelles complex 1 subunit 3; plus strand). Cytogenetic location: 19q13.32.
Variant type: single nucleotide variant.
Coding change: c.178G>A on transcript NM_212550.5 (MANE Select); coding-DNA position 178, G replaced by A.
Protein change: p.Ala60Thr; replaces alanine 60 with threonine.
Molecular consequence: missense variant.
Genome position (GRCh38, 1-based): chr19:45,179,474, G>A. VCF-style: chr19-45179474-G-A. GRCh37 (hg19) VCF-style: chr19-45682732-G-A.
Other names: short protein forms A60T.
Identifiers: ClinVar variation 1903561 (VCV001903561.3), dbSNP rs915928569, ClinGen allele CA308943192.

ClinVar aggregate classification (germline): Uncertain significance. Review status: criteria provided, multiple submitters, no conflicts (2 of 4 stars). 2 submissions from 2 submitters: Uncertain significance (2). Last evaluated 2022-03-10.

Allele frequency attached by ClinVar (database versions not stated): gnomAD exomes 0.00002; TOPMed 0.00002.
gnomAD v4.1: 35 of 1,523,414 alleles (0.0023%); highest among the groups gnomAD compares: Non-Finnish European, 0.0029%; no homozygotes.

Submissions (2):

Labcorp Genetics (formerly Invitae), Labcorp
Classification: Uncertain significance. Last evaluated: 2022-03-10. Review status: criteria provided, single submitter. Criteria: Invitae Variant Classification Sherloc (09022015). Collection method: clinical testing. Allele origin: germline.
Comment: This sequence change replaces alanine, which is neutral and non-polar, with threonine, which is neutral and polar, at codon 60 of the BLOC1S3 protein (p.Ala60Thr). This variant is present in population databases (no rsID available, gnomAD 0.007%). This variant has not been reported in the literature in individuals affected with BLOC1S3-related conditions. Algorithms developed to predict the effect of missense changes on protein structure and function (SIFT, PolyPhen-2, Align-GVGD) all suggest that this variant is likely to be disruptive. In summary, the available evidence is currently insufficient to determine the role of this variant in disease. Therefore, it has been classified as a Variant of Uncertain Significance.

Blueprint Genetics
Classification: Uncertain significance. Last evaluated: 2021-07-15. Review status: criteria provided, single submitter. Criteria: ACMG Guidelines, 2015. Collection method: clinical testing. Allele origin: germline.